The following is an entry in ClinVar:

ClinVar aggregate classification (germline): Uncertain significance (1 of 4 stars; one submission).

Conditions:
Malignant hyperthermia, susceptibility to, 1 (MHS1). Also called: Anesthesia related hyperthermia; Malignant hyperpyrexia; Fulminating hyperpyrexia; Pharmacogenic myopathy; RYR1-Related Malignant Hyperthermia Susceptibility; Malignant hyperthermia suceptibility 1. Identifiers: Orphanet 423, MedGen C2930980, MONDO:0007783, OMIM 145600.

Submission:

All of Us Research Program, National Institutes of Health
Classification: Uncertain significance for Malignant hyperthermia, susceptibility to, 1. Last evaluated: 2024-06-11. Review status: criteria provided, single submitter. Criteria: ACMG Guidelines, 2015. Collection method: clinical testing. Allele origin: germline. Inheritance: Autosomal dominant inheritance. Observed: 2 variant alleles, 2 heterozygotes.
Comment: This study involves interpretation of variants in research participants for the purpose of population health screening. Participant phenotype was not available at the time of variant classification. Additional details can be found in publication PMID: 35346344, PMCID: PMC8962531

NM_000540.3(RYR1):c.6818T>G (p.Leu2273Arg)

Gene: RYR1 (ryanodine receptor 1; plus strand). Cytogenetic location: 19q13.2.
Variant type: single nucleotide variant.
Coding change: c.6818T>G on transcript NM_000540.3 (MANE Select); coding-DNA position 6818, T replaced by G.
Protein change: p.Leu2273Arg; replaces leucine 2273 with arginine.
Molecular consequence: missense variant.
Genome position (GRCh38, 1-based): chr19:38,496,881, T>G. VCF-style: chr19-38496881-T-G. GRCh37 (hg19) VCF-style: chr19-38987521-T-G.
Other names: c.6818T>G, p.Leu2273Arg (NM_001042723.2); short protein forms L2273R.
Identifiers: ClinVar variation 3071285 (VCV003071285.2), dbSNP rs1969857288, ClinGen allele CA405666496.